The following is an entry in ClinVar:

ClinVar aggregate classification (germline): Uncertain significance (1 of 4 stars; one submission).

Submission:

Athena Diagnostics
Classification: Uncertain significance. Last evaluated: 2023-07-05. Review status: criteria provided, single submitter. Criteria: Athena Diagnostics Criteria. Collection method: clinical testing. Allele origin: unknown.
Comment: Available data are insufficient to determine the clinical significance of the variant at this time. This variant has not been reported in large, multi-ethnic general populations. Computational tools yielded predictions that this variant is unlikely to have an effect on normal RNA splicing.

NM_033305.3(VPS13A):c.3243T>C (p.Asp1081=)

Gene: VPS13A (vacuolar protein sorting 13 homolog A; plus strand). Cytogenetic location: 9q21.2.
Variant type: single nucleotide variant.
Coding change: c.3243T>C on transcript NM_033305.3 (MANE Select); coding-DNA position 3243, T replaced by C.
Protein change: p.Asp1081=; no amino-acid change (aspartic acid 1081 retained).
Molecular consequence: synonymous variant.
Genome position (GRCh38, 1-based): chr9:77,283,554, T>C. VCF-style: chr9-77283554-T-C. GRCh37 (hg19) VCF-style: chr9-79898470-T-C.
Other names: c.3126T>C, p.Asp1042= (NM_001018037.2); c.3243T>C, p.Asp1081= (NM_001018038.3, NM_015186.4).
Identifiers: ClinVar variation 2684104 (VCV002684104.1), dbSNP rs2537848561, ClinGen allele CA465621304.